The following is an entry in ClinVar:

ClinVar aggregate classification (germline): Uncertain significance. Review status: criteria provided, single submitter (1 of 4 stars). 2 submissions from 2 submitters: Uncertain significance (1). 1 of the submissions does not count toward it. Last evaluated 2025-12-30.

Conditions:
ANKRD11-related disorder. Also called: ANKRD11-related condition.
Inborn genetic diseases. Identifiers: MedGen C0950123, MeSH D030342.

Allele frequency attached by ClinVar (database versions not stated): gnomAD exomes below 0.00001.
gnomAD v4.1: 1 of 1,613,906 alleles (0.000062%); highest among the groups gnomAD compares: Non-Finnish European, 0.000085%; no homozygotes.

Submissions (2):

Ambry Genetics
Classification: Uncertain significance for Inborn genetic diseases. Last evaluated: 2025-12-30. Review status: criteria provided, single submitter. Criteria: Ambry Variant Classification Scheme 2023. Collection method: clinical testing. Allele origin: germline.

PreventionGenetics, part of Exact Sciences
Classification: Uncertain significance for ANKRD11-related condition. Last evaluated: 2023-12-13. Review status: no assertion criteria provided. Collection method: clinical testing. Allele origin: germline. Not counted in ClinVar's aggregate classification.
Comment: The ANKRD11 c.310G>A variant is predicted to result in the amino acid substitution p.Gly104Arg. To our knowledge, this variant has not been reported in the literature or in a large population database, indicating this variant is rare. At this time, the clinical significance of this variant is uncertain due to the absence of conclusive functional and genetic evidence.

NM_013275.6(ANKRD11):c.310G>A (p.Gly104Arg)

Gene: ANKRD11 (ankyrin repeat domain 11; minus strand). Cytogenetic location: 16q24.3.
Variant type: single nucleotide variant.
Coding change: c.310G>A on transcript NM_013275.6 (MANE Select); coding-DNA position 310, G replaced by A.
Protein change: p.Gly104Arg; replaces glycine 104 with arginine.
Molecular consequence: missense variant. On other transcripts: non-coding transcript variant (1).
Genome position (GRCh38, 1-based): chr16:89,291,100, C>T on the plus strand (G>A on the coding strand, the complement: ANKRD11 is on the minus strand). VCF-style: chr16-89291100-C-T. GRCh37 (hg19) VCF-style: chr16-89357508-C-T.
Other names: c.310G>A, p.Gly104Arg (NM_001256182.2, NM_001256183.2); c.310G>A (NM_013275.4); short protein forms G104R.
Identifiers: ClinVar variation 3032072 (VCV003032072.3), dbSNP rs2544309433, ClinGen allele CA397167747.